The following is an entry in ClinVar:

NM_005629.4(SLC6A8):c.1330G>A (p.Glu444Lys)

Gene: SLC6A8 (solute carrier family 6 member 8; plus strand). Cytogenetic location: Xq28.
Variant type: single nucleotide variant.
Coding change: c.1330G>A on transcript NM_005629.4 (MANE Select); coding-DNA position 1330, G replaced by A.
Protein change: p.Glu444Lys; replaces glutamic acid 444 with lysine.
Molecular consequence: missense variant.
Genome position (GRCh38, 1-based): chrX:153,694,205, G>A. VCF-style: chrX-153694205-G-A. GRCh37 (hg19) VCF-style: chrX-152959660-G-A.
Other names: c.1330G>A (NM_005629.3); c.1300G>A, p.Glu434Lys (NM_001142805.2); c.985G>A, p.Glu329Lys (NM_001142806.1); short protein forms E444K, E329K, E434K.
Identifiers: ClinVar variation 2088649 (VCV002088649.5), dbSNP rs2091474617, ClinGen allele CA415086855.

ClinVar aggregate classification (germline): Uncertain significance. Review status: criteria provided, multiple submitters, no conflicts (2 of 4 stars). 2 submissions from 2 submitters: Uncertain significance (2). Last evaluated 2024-09-17.

Conditions:
Creatine transporter deficiency (CCDS1). Also called: Creatine Transporter (CRTR) Deficiency; Mental retardation , X-linked with seizures, short stature and midface hypoplasia; Mental retardation , X-linked, with creatine transport deficiency; X-linked creatine transporter deficiency; X-linked creatine deficiency syndrome; SLC6A8-Related Creatine Transporter Deficiency. Identifiers: Orphanet 52503, MedGen C1845862, MONDO:0010305, OMIM 300352.

Submissions (2):

GeneDx
Classification: Uncertain significance. Last evaluated: 2024-09-17. Review status: criteria provided, single submitter. Criteria: GeneDx Variant Classification Process June 2021. Collection method: clinical testing. Allele origin: germline. Affected: yes.
Comment: Not observed at significant frequency in large population cohorts (gnomAD); In silico analysis supports that this missense variant has a deleterious effect on protein structure/function; Has not been previously published as pathogenic or benign to our knowledge

Labcorp Genetics (formerly Invitae), Labcorp
Classification: Uncertain significance for Creatine transporter deficiency. Last evaluated: 2022-01-21. Review status: criteria provided, single submitter. Criteria: Invitae Variant Classification Sherloc (09022015). Collection method: clinical testing. Allele origin: germline.
Comment: This variant has not been reported in the literature in individuals affected with SLC6A8-related conditions. This variant is not present in population databases (gnomAD no frequency). This sequence change replaces glutamic acid, which is acidic and polar, with lysine, which is basic and polar, at codon 444 of the SLC6A8 protein (p.Glu444Lys). Advanced modeling of protein sequence and biophysical properties (such as structural, functional, and spatial information, amino acid conservation, physicochemical variation, residue mobility, and thermodynamic stability) performed at Invitae indicates that this missense variant is not expected to disrupt SLC6A8 protein function. In summary, the available evidence is currently insufficient to determine the role of this variant in disease. Therefore, it has been classified as a Variant of Uncertain Significance.